The following is an entry in ClinVar:

ClinVar aggregate classification (germline): Uncertain significance. Review status: criteria provided, multiple submitters, no conflicts (2 of 4 stars). 3 submissions from 3 submitters: Uncertain significance (2). 1 of the submissions does not count toward it. Last evaluated 2025-08-08.

Conditions:
Athabaskan severe combined immunodeficiency (SCIDA). Also called: Severe combined immunodeficiency, athabascan-type. Identifiers: MedGen C1865370.
Severe combined immunodeficiency due to DCLRE1C deficiency (RS-SCID). Also called: SCID, AUTOSOMAL RECESSIVE, T CELL-NEGATIVE, B CELL-NEGATIVE, NK CELL-POSITIVE, WITH SENSITIVITY TO IONIZING RADIATION. Identifiers: Orphanet 275, MedGen C1865371, MONDO:0011225, OMIM 602450.
Inborn genetic diseases. Identifiers: MedGen C0950123, MeSH D030342.

Allele frequency attached by ClinVar (database versions not stated): gnomAD 0.00001; gnomAD exomes 0.00002 and 0.00003; ExAC 0.00002.
gnomAD v4.1: 35 of 1,614,104 alleles (0.0022%); highest among the groups gnomAD compares: South Asian, 0.036%; no homozygotes.

Submissions (3):

Ambry Genetics
Classification: Uncertain significance for Inborn genetic diseases. Last evaluated: 2025-08-08. Review status: criteria provided, single submitter. Criteria: Ambry Variant Classification Scheme 2023. Collection method: clinical testing. Allele origin: germline.

Labcorp Genetics (formerly Invitae), Labcorp
Classification: Uncertain significance for Athabaskan severe combined immunodeficiency. Last evaluated: 2022-06-18. Review status: criteria provided, single submitter. Criteria: Invitae Variant Classification Sherloc (09022015). Collection method: clinical testing. Allele origin: germline.
Comment: This sequence change replaces glutamic acid, which is acidic and polar, with aspartic acid, which is acidic and polar, at codon 439 of the DCLRE1C protein (p.Glu439Asp). This variant is present in population databases (rs755790137, gnomAD 0.03%). This variant has not been reported in the literature in individuals affected with DCLRE1C-related conditions. ClinVar contains an entry for this variant (Variation ID: 1056545). Algorithms developed to predict the effect of missense changes on protein structure and function output the following: SIFT: "Tolerated"; PolyPhen-2: "Benign"; Align-GVGD: "Class C0". The aspartic acid amino acid residue is found in multiple mammalian species, which suggests that this missense change does not adversely affect protein function. In summary, the available evidence is currently insufficient to determine the role of this variant in disease. Therefore, it has been classified as a Variant of Uncertain Significance.

Natera, Inc.
Classification: Uncertain significance for Athabascan severe combined immunodeficiency. Last evaluated: 2020-07-12. Review status: no assertion criteria provided. Collection method: clinical testing. Allele origin: germline. Not counted in ClinVar's aggregate classification.

NM_001033855.3(DCLRE1C):c.1317G>C (p.Glu439Asp)

Gene: DCLRE1C (DNA cross-link repair 1C; minus strand). Cytogenetic location: 10p13.
Variant type: single nucleotide variant.
Coding change: c.1317G>C on transcript NM_001033855.3 (MANE Select); coding-DNA position 1317, G replaced by C.
Protein change: p.Glu439Asp; replaces glutamic acid 439 with aspartic acid.
Molecular consequence: missense variant. On other transcripts: non-coding transcript variant (4).
Genome position (GRCh38, 1-based): chr10:14,909,170, C>G on the plus strand (G>C on the coding strand, the complement: DCLRE1C is on the minus strand). VCF-style: chr10-14909170-C-G. GRCh37 (hg19) VCF-style: chr10-14951169-C-G.
Other names: c.957G>C, p.Glu319Asp (NM_001033857.3, NM_001033858.3, NM_001289077.2 and 2 more transcripts); c.972G>C, p.Glu324Asp (NM_001289076.2, NM_001289078.2, NM_001350966.2 and 1 more transcripts); c.1317G>C, p.Glu439Asp (NM_001350965.2); c.1317G>C (NM_001033855.1); short protein forms E319D, E324D, E439D.
Identifiers: ClinVar variation 1056545 (VCV001056545.4), dbSNP rs755790137, ClinGen allele CA5416502.
Genomic context (GRCh38, chr10:14,909,170, plus strand): 5'-ACTTTCACTGTTGGATTCTTCACAATCTACAAAGTTTGTGAAACGAGAGCTCTGCATACA[C>G]TCTGCTCTGCAGCATCCTGGGGTTTGTCTCAGTTTTTCAGGCTGCTTTTCTGATACTGCA-3'
Protein context (NP_001029027.1, residues 429-449): LRQTPGCCRA[Glu439Asp]CMQSSRFTNF